The following is an entry in ClinVar:

NM_007294.4(BRCA1):c.2799del (p.Gln934fs)

Gene: BRCA1 (BRCA1 DNA repair associated; minus strand). Cytogenetic location: 17q21.31.
Variant type: Deletion.
Coding change: c.2799del on transcript NM_007294.4 (MANE Select); coding-DNA position 2799, one base deleted (T; older notation c.2799delT).
Protein change: p.Gln934fs; shifts the reading frame from glutamine 934.
Molecular consequence: frameshift variant. On other transcripts: intron variant (137).
Genome position (GRCh38, 1-based): chr17:43,092,732, A deleted on the plus strand (T on the coding strand, the reverse complement: BRCA1 is on the minus strand). VCF-style (leftmost placement, unchanged base first): chr17-43092731-GA-G. GRCh37 (hg19) VCF-style: chr17-41244748-GA-G.
Other names: 2918delT; c.2586del, p.Gln863fs (NM_001407571.1, NM_001407853.1, NM_001407894.1 and 9 more transcripts); c.2799del, p.Gln934fs (NM_001407581.1, NM_001407582.1, NM_001407583.1 and 30 more transcripts); c.2796del, p.Gln933fs (NM_001407587.1, NM_001407590.1, NM_001407591.1 and 22 more transcripts); c.2790del, p.Gln931fs (NM_001407646.1, NM_001407647.1); c.2676del, p.Gln893fs (NM_001407648.1, NM_001407664.1, NM_001407665.1 and 19 more transcripts); c.2673del, p.Gln892fs (NM_001407649.1, NM_001407670.1, NM_001407671.1 and 11 more transcripts); c.2721del, p.Gln908fs (NM_001407653.1, NM_001407654.1, NM_001407655.1 and 4 more transcripts); and 43 more; short protein forms Q887fs, Q934fs, Q638fs, Q807fs, Q823fs, Q846fs, Q886fs, Q931fs.
Identifiers: ClinVar variation 125590 (VCV000125590.14), dbSNP rs80357998, ClinGen allele CA001835.
Genomic context (GRCh38, chr17:43,092,731, plus strand): 5'-GACAAAACCTAGAGCCTCCTTTGATACTACATTTGGCATTATCAACTGGCTTATCTTTCT[GA>G]CCAACCACAGGAAAGCCTGCAGTGATATTAACTGTCTGTACAGGCTTGATATTAGACTCA-3'

ClinVar aggregate classification (germline): Pathogenic. Review status: reviewed by expert panel (3 of 4 stars). 3 submissions from 3 submitters: Pathogenic (1). 2 of the submissions do not count toward it. Last evaluated 2016-09-08.

Conditions:
Hereditary breast ovarian cancer syndrome. Also called: Hereditary breast and/or ovarian cancer syndrome; Breast and ovarian cancer; Hereditary breast and ovarian cancer syndrome; Hereditary breast and ovarian cancer; Hereditary breast and ovarian cancer syndrome (HBOC); BRCA1- and BRCA2-Associated Hereditary Breast and Ovarian Cancer. Identifiers: Orphanet 145, MedGen C0677776, MeSH D061325, MONDO:0003582. Disease mechanism: loss of function.
Breast-ovarian cancer, familial, susceptibility to, 1 (BROVCA1). Also called: BRCA1 Hereditary Breast and Ovarian Cancer; OVARIAN CANCER, SUSCEPTIBILITY TO. Identifiers: Orphanet 145, MedGen C2676676, MONDO:0011450, OMIM 604370. Disease mechanism: loss of function.

Submissions (3):

Evidence-based Network for the Interpretation of Germline Mutant Alleles (ENIGMA)
Classification: Pathogenic for Breast-ovarian cancer, familial, susceptibility to, 1. Last evaluated: 2016-09-08. Review status: reviewed by expert panel. Criteria: ENIGMA BRCA1/2 Classification Criteria (2015). Collection method: curation. Allele origin: germline.
Comment: Variant allele predicted to encode a truncated non-functional protein.

Labcorp Genetics (formerly Invitae), Labcorp
Classification: Pathogenic for Hereditary breast ovarian cancer syndrome. Last evaluated: 2025-04-18. Review status: criteria provided, single submitter. Criteria: Invitae Variant Classification Sherloc (09022015). Collection method: clinical testing. Allele origin: germline. Not counted in ClinVar's aggregate classification.
Comment: This sequence change creates a premature translational stop signal (p.Gln934Argfs*66) in the BRCA1 gene. It is expected to result in an absent or disrupted protein product. Loss-of-function variants in BRCA1 are known to be pathogenic (PMID: 20104584). This variant is not present in population databases (gnomAD no frequency). This premature translational stop signal has been observed in individual(s) with ovarian cancer (PMID: 28176296). ClinVar contains an entry for this variant (Variation ID: 125590). For these reasons, this variant has been classified as Pathogenic.

Breast Cancer Information Core (BIC) (BRCA1)
Classification: Pathogenic for Breast-ovarian cancer, familial 1. Last evaluated: 2002-05-29. Review status: no assertion criteria provided. Collection method: clinical testing. Allele origin: germline. Affected: yes. Observed: 1 variant allele. Not counted in ClinVar's aggregate classification.

Literature cited by the submitters: PubMed 20104584 (cited by Labcorp Genetics (formerly Invitae), Labcorp); PubMed 28176296 (cited by Labcorp Genetics (formerly Invitae), Labcorp).